The following is an entry in ClinVar:

NM_001042603.3(KDM5A):c.3086A>G (p.Lys1029Arg)

Gene: KDM5A (lysine demethylase 5A; minus strand). Cytogenetic location: 12p13.33.
Variant type: single nucleotide variant.
Coding change: c.3086A>G on transcript NM_001042603.3 (MANE Select); coding-DNA position 3086, A replaced by G.
Protein change: p.Lys1029Arg; replaces lysine 1029 with arginine.
Molecular consequence: missense variant.
Genome position (GRCh38, 1-based): chr12:311,015, T>C on the plus strand (A>G on the coding strand, the complement: KDM5A is on the minus strand). VCF-style: chr12-311015-T-C. GRCh37 (hg19) VCF-style: chr12-420181-T-C.
Other names: short protein forms K1029R.
Identifiers: ClinVar variation 2430578 (VCV002430578.1), dbSNP rs2498220558, ClinGen allele CA383634042.

ClinVar aggregate classification (germline): Uncertain significance (1 of 4 stars; one submission).

Submission:

GeneDx
Classification: Uncertain significance. Last evaluated: 2022-08-15. Review status: criteria provided, single submitter. Criteria: GeneDx Variant Classification Process June 2021. Collection method: clinical testing. Allele origin: germline. Affected: yes.
Comment: Not observed at significant frequency in large population cohorts (gnomAD); In silico analysis supports that this missense variant does not alter protein structure/function; Has not been previously published as pathogenic or benign to our knowledge